The following is an entry in ClinVar:

NM_001190274.2(FBXO11):c.593G>A (p.Arg198Gln)

Gene: FBXO11 (F-box protein 11; minus strand). Cytogenetic location: 2p16.3.
Variant type: single nucleotide variant.
Coding change: c.593G>A on transcript NM_001190274.2 (MANE Select); coding-DNA position 593, G replaced by A.
Protein change: p.Arg198Gln; replaces arginine 198 with glutamine.
Molecular consequence: missense variant.
Genome position (GRCh38, 1-based): chr2:47,835,996, C>T on the plus strand (G>A on the coding strand, the complement: FBXO11 is on the minus strand). VCF-style: chr2-47835996-C-T. GRCh37 (hg19) VCF-style: chr2-48063135-C-T.
Other names: c.341G>A, p.Arg114Gln (NM_001374325.1, NM_025133.4); short protein forms R114Q, R198Q.
Identifiers: ClinVar variation 2867025 (VCV002867025.3), dbSNP rs2531223635, ClinGen allele CA346812431.

ClinVar aggregate classification (germline): Uncertain significance (1 of 4 stars; one submission).

gnomAD v4.1: 1 of 1,594,824 alleles (0.000063%); highest among the groups gnomAD compares: Non-Finnish European, 0.000085%; no homozygotes.

Submission:

Labcorp Genetics (formerly Invitae), Labcorp
Classification: Uncertain significance. Last evaluated: 2025-01-28. Review status: criteria provided, single submitter. Criteria: Invitae Variant Classification Sherloc (09022015). Collection method: clinical testing. Allele origin: germline.
Comment: This sequence change replaces arginine, which is basic and polar, with glutamine, which is neutral and polar, at codon 198 of the FBXO11 protein (p.Arg198Gln). This variant is not present in population databases (gnomAD no frequency). This variant has not been reported in the literature in individuals affected with FBXO11-related conditions. ClinVar contains an entry for this variant (Variation ID: 2867025). An algorithm developed to predict the effect of missense changes on protein structure and function (PolyPhen-2) suggests that this variant is likely to be tolerated. In summary, the available evidence is currently insufficient to determine the role of this variant in disease. Therefore, it has been classified as a Variant of Uncertain Significance.